The following is an entry in ClinVar:

NM_000836.4(GRIN2D):c.3852G>C (p.Ala1284=)

Gene: GRIN2D (glutamate ionotropic receptor NMDA type subunit 2D; plus strand). Cytogenetic location: 19q13.33.
Variant type: single nucleotide variant.
Coding change: c.3852G>C on transcript NM_000836.4 (MANE Select); coding-DNA position 3852, G replaced by C.
Protein change: p.Ala1284=; no amino-acid change (alanine 1284 retained).
Molecular consequence: synonymous variant.
Genome position (GRCh38, 1-based): chr19:48,443,778, G>C. VCF-style: chr19-48443778-G-C. GRCh37 (hg19) VCF-style: chr19-48947035-G-C.
Identifiers: ClinVar variation 725473 (VCV000725473.15), dbSNP rs556975803, ClinGen allele CA9550873.

ClinVar aggregate classification (germline): Likely benign. Review status: criteria provided, multiple submitters, no conflicts (2 of 4 stars). 3 submissions from 3 submitters: Likely benign (3). Last evaluated 2026-02-01.

Allele frequency attached by ClinVar (database versions not stated): gnomAD 0.00022 and 0.00024; TOPMed 0.00029; 1000 Genomes Project 30x 0.00031; gnomAD exomes 0.00044 and 0.00066; ExAC 0.00200.
gnomAD v4.1: 599 of 1,445,606 alleles (0.041%); highest among the groups gnomAD compares: Middle Eastern, 0.12%; no homozygotes.

Submissions (3):

CeGaT Center for Human Genetics Tuebingen
Classification: Likely benign. Last evaluated: 2026-02-01. Review status: criteria provided, single submitter. Criteria: CeGaT Center For Human Genetics Tuebingen Variant Classification Criteria Version 2. Collection method: clinical testing. Allele origin: germline. Affected: yes. Observed: 1 variant allele.
Comment: GRIN2D: BP4, BP7, BS1

Labcorp Genetics (formerly Invitae), Labcorp
Classification: Likely benign. Last evaluated: 2025-12-08. Review status: criteria provided, single submitter. Criteria: Invitae Variant Classification Sherloc (09022015). Collection method: clinical testing. Allele origin: germline.

Blueprint Genetics
Classification: Likely benign. Last evaluated: 2024-10-23. Review status: criteria provided, single submitter. Criteria: ACMG Guidelines, 2015. Collection method: clinical testing. Allele origin: germline.